The following is an entry in ClinVar:

ClinVar aggregate classification (germline): Conflicting classifications of pathogenicity. Review status: criteria provided, conflicting classifications (1 of 4 stars). 10 submissions from 9 submitters: Uncertain significance (1); Benign (5); Likely benign (2). 2 of the submissions do not count toward it. Last evaluated 2026-02-01.

Conditions:
Autosomal recessive nonsyndromic hearing loss 12. Also called: DEAFNESS, AUTOSOMAL RECESSIVE 12. Identifiers: Orphanet 90636, MedGen C1832394, MONDO:0011067, OMIM 601386.
Usher syndrome type 1D (USH1D). Also called: USHER SYNDROME, TYPE ID. Identifiers: Orphanet 231169, Orphanet 886, MedGen C1832845, MONDO:0010984, OMIM 601067.

Allele frequency attached by ClinVar (database versions not stated): ESP Exome Variant Server 0.00008; gnomAD 0.00053 and 0.00071; TOPMed 0.00108; ExAC 0.00151; gnomAD exomes 0.00153; 1000 Genomes Project 30x 0.00265; 1000 Genomes Project 0.00300.
gnomAD v4.1: 765 of 1,613,414 alleles (0.047%); highest among the groups gnomAD compares: East Asian, 1.1%; 13 homozygotes.

Submissions (10):

Labcorp Genetics (formerly Invitae), Labcorp
Classification: Benign. Last evaluated: 2026-02-01. Review status: criteria provided, single submitter. Criteria: Invitae Variant Classification Sherloc (09022015). Collection method: clinical testing. Allele origin: germline.

Mayo Clinic Laboratories, Mayo Clinic
Classification: Benign. Last evaluated: 2025-03-13. Review status: criteria provided, single submitter. Criteria: ACMG Guidelines, 2015. Collection method: clinical testing. Allele origin: germline. Observed: 1 variant allele.
Comment: BA1, BS2, BP4, BP7

CeGaT Center for Human Genetics Tuebingen
Classification: Benign. Last evaluated: 2024-06-01. Review status: criteria provided, single submitter. Criteria: CeGaT Center For Human Genetics Tuebingen Variant Classification Criteria Version 2. Collection method: clinical testing. Allele origin: germline. Affected: yes. Observed: 1 variant allele.
Comment: CDH23: BP4, BS1, BS2

GeneDx
Classification: Likely benign. Last evaluated: 2018-04-16. Review status: criteria provided, single submitter. Criteria: GeneDx Variant Classification (06012015). Collection method: clinical testing. Allele origin: germline. Affected: yes.
Comment: This variant is considered likely benign or benign based on one or more of the following criteria: it is a conservative change, it occurs at a poorly conserved position in the protein, it is predicted to be benign by multiple in silico algorithms, and/or has population frequency not consistent with disease.

Illumina Laboratory Services, Illumina
Classification: Uncertain significance for Autosomal recessive nonsyndromic hearing loss 12. Last evaluated: 2018-01-12. Review status: criteria provided, single submitter. Criteria: ICSL Variant Classification Criteria 13 December 2019. Collection method: clinical testing. Allele origin: germline.

Illumina Laboratory Services, Illumina
Classification: Likely benign for Usher syndrome type 1D. Last evaluated: 2018-01-12. Review status: criteria provided, single submitter. Criteria: ICSL Variant Classification Criteria 13 December 2019. Collection method: clinical testing. Allele origin: germline.
Comment: This variant was observed in the ICSL laboratory as part of a predisposition screen in an ostensibly healthy population. It had not been previously curated by ICSL or reported in the Human Gene Mutation Database (HGMD: prior to June 1st, 2018), and was therefore a candidate for classification through an automated scoring system. Utilizing variant allele frequency, disease prevalence and penetrance estimates, and inheritance mode, an automated score was calculated to assess if this variant is too frequent to cause the disease. Based on the score and internal cut-off values, a variant classified as likely benign is not then subjected to further curation. The score for this variant resulted in a classification of likely benign for this disease.

Laboratory for Molecular Medicine, Mass General Brigham Personalized Medicine
Classification: Benign. Last evaluated: 2015-01-21. Review status: criteria provided, single submitter. Criteria: LMM Criteria. Collection method: clinical testing. Allele origin: germline. Observed: 4 variant alleles.
Comment: c.9077+7C>T in intron 62 of CDH23: This variant is not expected to have clinical significance because it is not located in the in invariant region (+/-1,2) of t he splice consensus sequence and has been identified in 1.8% (152/8620) of East Asian chromosomes by the Exome Aggregation Consortium (ExAC; dbSNP rs76114420).

Eurofins Ntd Llc (ga)
Classification: Benign. Last evaluated: 2014-06-12. Review status: criteria provided, single submitter. Criteria: EGL Classification Definitions 2015. Collection method: clinical testing. Allele origin: germline. Observed: 1 variant allele, 1 heterozygote.

Clinical Genetics DNA and cytogenetics Diagnostics Lab, Erasmus MC, Erasmus Medical Center
Classification: Benign. Review status: no assertion criteria provided. Collection method: clinical testing. Allele origin: germline. Affected: yes. Study: VKGL Data-share Consensus. Not counted in ClinVar's aggregate classification.

Clinical Genetics, Academic Medical Center
Classification: Benign. Review status: no assertion criteria provided. Collection method: clinical testing. Allele origin: germline. Affected: yes. Study: VKGL Data-share Consensus. Not counted in ClinVar's aggregate classification.

Literature cited by the submitters: PubMed 34403091 (cited by Mayo Clinic Laboratories, Mayo Clinic).

NM_022124.6(CDH23):c.9077+7C>T

Gene: CDH23 (cadherin related 23; plus strand). Cytogenetic location: 10q22.1.
Variant type: single nucleotide variant.
Coding change: c.9077+7C>T on transcript NM_022124.6 (MANE Select); 7 bases into the intron after coding-DNA position 9077, C replaced by T.
Molecular consequence: intron variant.
Genome position (GRCh38, 1-based): chr10:71,810,576, C>T. VCF-style: chr10-71810576-C-T. GRCh37 (hg19) VCF-style: chr10-73570333-C-T.
Other names: p.?; c.2357+7C>T (NM_001171933.1, NM_001171934.1).
Identifiers: ClinVar variation 46067 (VCV000046067.45), dbSNP rs76114420, ClinGen allele CA137629.
Genomic context (GRCh38, chr10:71,810,576, plus strand): 5'-ACTGCTTATCCACGTGGTGAACCGCGATACCAACCGCATCCTGGACGTGGACCGGTGAGT[C>T]GGGGCCTGTGTTTGGACTGTCAGCCTGTCTGTCTGCCTGCCTCCCTGCCCTGGAGTAGGG-3'